The following is an entry in ClinVar:

NM_024757.5(EHMT1):c.860G>A (p.Arg287Gln)

Gene: EHMT1 (euchromatic histone lysine methyltransferase 1; plus strand). Cytogenetic location: 9q34.3.
Variant type: single nucleotide variant.
Coding change: c.860G>A on transcript NM_024757.5 (MANE Select); coding-DNA position 860, G replaced by A.
Protein change: p.Arg287Gln; replaces arginine 287 with glutamine.
Molecular consequence: missense variant.
Genome position (GRCh38, 1-based): chr9:137,743,407, G>A. VCF-style: chr9-137743407-G-A. GRCh37 (hg19) VCF-style: chr9-140637859-G-A.
Other names: c.860G>A, p.Arg287Gln (NM_001145527.2, NM_001354611.2); c.767G>A, p.Arg256Gln (NM_001354259.2, NM_001354612.2); c.839G>A, p.Arg280Gln (NM_001354263.2); short protein forms R280Q, R256Q, R287Q.
Identifiers: ClinVar variation 1468913 (VCV001468913.10), dbSNP rs759057973, ClinGen allele CA5374438.

ClinVar aggregate classification (germline): Conflicting classifications of pathogenicity. Review status: criteria provided, conflicting classifications (1 of 4 stars). 2 submissions from 2 submitters: Uncertain significance (1); Likely benign (1). Last evaluated 2025-08-06.

Conditions:
Kleefstra syndrome 1 (KLEFS1). Identifiers: Orphanet 261494, MedGen C0795833, MONDO:0027407, OMIM 610253.

Allele frequency attached by ClinVar (database versions not stated): ExAC 0.00001; gnomAD exomes below 0.00001.

Submissions (2):

Dasa
Classification: Uncertain significance. Last evaluated: 2025-08-06. Review status: criteria provided, single submitter. Criteria: DASA Assertion Criteria. Collection method: clinical testing. Allele origin: germline.
Comment: NM_024757.5(EHMT1):c.860G>A (p.Arg287Gln) is a missense variant that results in the substitution of arginine with glutamine. This variant is rare in population databases. The currently available literature and clinical evidence are not sufficient to establish a definitive association between this variant and the reported condition. Therefore, this variant is classified as a variant of uncertain significance.

Labcorp Genetics (formerly Invitae), Labcorp
Classification: Likely benign for Kleefstra syndrome 1. Last evaluated: 2022-09-01. Review status: criteria provided, single submitter. Criteria: Invitae Variant Classification Sherloc (09022015). Collection method: clinical testing. Allele origin: germline.